The following is an entry in ClinVar:

ClinVar aggregate classification (germline): Uncertain significance. Review status: criteria provided, multiple submitters, no conflicts (2 of 4 stars). 2 submissions from 2 submitters: Uncertain significance (2). Last evaluated 2025-05-26.

Conditions:
DNA ligase IV deficiency. Identifiers: Orphanet 99812, MedGen C1847827, MONDO:0011686, OMIM 606593.
Inborn genetic diseases. Identifiers: MedGen C0950123, MeSH D030342.

Allele frequency attached by ClinVar (database versions not stated): TOPMed 0.00001; gnomAD 0.00002; gnomAD exomes 0.00001; ExAC 0.00001.

Submissions (2):

Ambry Genetics
Classification: Uncertain significance for Inborn genetic diseases. Last evaluated: 2025-05-26. Review status: criteria provided, single submitter. Criteria: Ambry Variant Classification Scheme 2023. Collection method: clinical testing. Allele origin: germline.

Labcorp Genetics (formerly Invitae), Labcorp
Classification: Uncertain significance for DNA ligase IV deficiency. Last evaluated: 2021-08-31. Review status: criteria provided, single submitter. Criteria: Invitae Variant Classification Sherloc (09022015). Collection method: clinical testing. Allele origin: germline.
Comment: This sequence change replaces valine with isoleucine at codon 547 of the LIG4 protein (p.Val547Ile). The valine residue is moderately conserved and there is a small physicochemical difference between valine and isoleucine. This variant is present in population databases (rs774811336, ExAC 0.001%). This variant has not been reported in the literature in individuals affected with LIG4-related conditions. Algorithms developed to predict the effect of missense changes on protein structure and function are either unavailable or do not agree on the potential impact of this missense change (SIFT: "Tolerated"; PolyPhen-2: "Possibly Damaging"; Align-GVGD: "Class C0"). In summary, the available evidence is currently insufficient to determine the role of this variant in disease. Therefore, it has been classified as a Variant of Uncertain Significance.

NM_206937.2(LIG4):c.1639G>A (p.Val547Ile)

Gene: LIG4 (DNA ligase 4; minus strand). Cytogenetic location: 13q33.3.
Variant type: single nucleotide variant.
Coding change: c.1639G>A on transcript NM_206937.2 (MANE Select); coding-DNA position 1639, G replaced by A.
Protein change: p.Val547Ile; replaces valine 547 with isoleucine.
Molecular consequence: missense variant.
Genome position (GRCh38, 1-based): chr13:108,209,630, C>T on the plus strand (G>A on the coding strand, the complement: LIG4 is on the minus strand). VCF-style: chr13-108209630-C-T. GRCh37 (hg19) VCF-style: chr13-108861978-C-T.
Other names: c.1639G>A, p.Val547Ile (NM_001098268.2, NM_001352598.2, NM_001352599.2 and 6 more transcripts); c.1438G>A, p.Val480Ile (NM_001330595.2); c.1675G>A, p.Val559Ile (NM_001352604.2); short protein forms V480I, V547I, V559I.
Identifiers: ClinVar variation 1058357 (VCV001058357.7), dbSNP rs774811336, ClinGen allele CA7043650.